The following is an entry in ClinVar:

ClinVar aggregate classification (germline): Likely benign (1 of 4 stars; one submission).

gnomAD v4.1: 716 of 1,597,926 alleles (0.045%); highest among the groups gnomAD compares: African/African-American, 0.79%; 4 homozygotes.

Submission:

CeGaT Center for Human Genetics Tuebingen
Classification: Likely benign. Last evaluated: 2026-04-01. Review status: criteria provided, single submitter. Criteria: CeGaT Center For Human Genetics Tuebingen Variant Classification Criteria Version 2. Collection method: clinical testing. Allele origin: germline. Affected: yes. Observed: 1 variant allele.
Comment: ADGRL1: BP4, BP7, BS1

NM_014921.5(ADGRL1):c.3939C>T (p.Gly1313=)

Genes: ADGRL1 (adhesion G protein-coupled receptor L1; minus strand), ADGRL1-AS1 (ADGRL1 antisense RNA 1; plus strand). Cytogenetic location: 19p13.12.
Variant type: single nucleotide variant.
Coding change: c.3939C>T on transcript NM_014921.5 (MANE Select); coding-DNA position 3939, C replaced by T.
Protein change: p.Gly1313=; no amino-acid change (glycine 1313 retained).
Molecular consequence: synonymous variant.
Genome position (GRCh38, 1-based): chr19:14,151,344, G>A on the plus strand (C>T on the coding strand, the complement: ADGRL1 is on the minus strand). VCF-style: chr19-14151344-G-A. GRCh37 (hg19) VCF-style: chr19-14262156-G-A.
Other names: c.3954C>T, p.Gly1318= (NM_001008701.3).
Identifiers: ClinVar variation 4872244 (VCV004872244.2).